The following is an entry in ClinVar:

ClinVar aggregate classification (germline): Benign/Likely benign. Review status: criteria provided, multiple submitters, no conflicts (2 of 4 stars). 4 submissions from 4 submitters: Benign (2); Likely benign (2). Last evaluated 2026-01-06.

Conditions:
Hyperthyroxinemia, familial dysalbuminemic (FDAH). Also called: EUTHYROID HYPERTHYROXINEMIA 1. Identifiers: MedGen C0342185, MONDO:0014448, OMIM 615999.

Allele frequency attached by ClinVar (database versions not stated): 1000 Genomes Project 0.00120; 1000 Genomes Project 30x 0.00125; gnomAD 0.00163 and 0.00173; TOPMed 0.00171; ExAC 0.00180; ESP Exome Variant Server 0.00192; gnomAD exomes 0.00194 and 0.00267.
gnomAD v4.1: 4,146 of 1,613,700 alleles (0.26%); highest among the groups gnomAD compares: Non-Finnish European, 0.29%; 11 homozygotes.

Submissions (4):

Labcorp Genetics (formerly Invitae), Labcorp
Classification: Benign. Last evaluated: 2026-01-06. Review status: criteria provided, single submitter. Criteria: Invitae Variant Classification Sherloc (09022015). Collection method: clinical testing. Allele origin: germline.

Blueprint Genetics
Classification: Likely benign. Last evaluated: 2024-11-21. Review status: criteria provided, single submitter. Criteria: ACMG Guidelines, 2015. Collection method: clinical testing. Allele origin: germline.

CeGaT Center for Human Genetics Tuebingen
Classification: Likely benign. Last evaluated: 2023-02-01. Review status: criteria provided, single submitter. Criteria: CeGaT Center For Human Genetics Tuebingen Variant Classification Criteria Version 2. Collection method: clinical testing. Allele origin: germline. Affected: yes. Observed: 1 variant allele.
Comment: ALB: BP4, BP7

Illumina Laboratory Services, Illumina
Classification: Benign for Hyperthyroxinemia, familial dysalbuminemic. Last evaluated: 2018-01-12. Review status: criteria provided, single submitter. Criteria: ICSL Variant Classification Criteria 13 December 2019. Collection method: clinical testing. Allele origin: germline.
Comment: This variant was observed in the ICSL laboratory as part of a predisposition screen in an ostensibly healthy population. It had not been previously curated by ICSL or reported in the Human Gene Mutation Database (HGMD: prior to June 1st, 2018), and was therefore a candidate for classification through an automated scoring system. Utilizing variant allele frequency, disease prevalence and penetrance estimates, and inheritance mode, an automated score was calculated to assess if this variant is too frequent to cause the disease. Based on the score and internal cut-off values, a variant classified as benign is not then subjected to further curation. The score for this variant resulted in a classification of benign for this disease.

NM_000477.7(ALB):c.1230T>C (p.Asn410=)

Gene: ALB (albumin; plus strand). Cytogenetic location: 4q13.3.
Variant type: single nucleotide variant.
Coding change: c.1230T>C on transcript NM_000477.7 (MANE Select); coding-DNA position 1230, T replaced by C.
Protein change: p.Asn410=; no amino-acid change (asparagine 410 retained).
Molecular consequence: synonymous variant.
Genome position (GRCh38, 1-based): chr4:73,416,294, T>C. VCF-style: chr4-73416294-T-C. GRCh37 (hg19) VCF-style: chr4-74282011-T-C.
Identifiers: ClinVar variation 349629 (VCV000349629.37), dbSNP rs35683929, ClinGen allele CA2959592.
Genomic context (GRCh38, chr4:73,416,294, plus strand): 5'-ACACAATTCTTTTATGTTTCAGTTCGATGAATTTAAACCTCTTGTGGAAGAGCCTCAGAA[T>C]TTAATCAAACAAAATTGTGAGCTTTTTGAGCAGCTTGGAGAGTACAAATTCCAGAATGCG-3'
Protein context (NP_000468.1, residues 400-420): EFKPLVEEPQ[Asn410=]LIKQNCELFE